The following is an entry in ClinVar:

ClinVar aggregate classification (germline): Uncertain significance (1 of 4 stars; one submission).

Submission:

Labcorp Genetics (formerly Invitae), Labcorp
Classification: Uncertain significance. Last evaluated: 2023-11-13. Review status: criteria provided, single submitter. Criteria: Invitae Variant Classification Sherloc (09022015). Collection method: clinical testing. Allele origin: germline.
Comment: This sequence change replaces aspartic acid, which is acidic and polar, with histidine, which is basic and polar, at codon 435 of the CWC27 protein (p.Asp435His). This variant is not present in population databases (gnomAD no frequency). This variant has not been reported in the literature in individuals affected with CWC27-related conditions. ClinVar contains an entry for this variant (Variation ID: 1505787). An algorithm developed to predict the effect of missense changes on protein structure and function (PolyPhen-2) suggests that this variant is likely to be disruptive. In summary, the available evidence is currently insufficient to determine the role of this variant in disease. Therefore, it has been classified as a Variant of Uncertain Significance.

NM_005869.4(CWC27):c.1303G>C (p.Asp435His)

Gene: CWC27 (CWC27 spliceosome associated cyclophilin; plus strand). Cytogenetic location: 5q12.3.
Variant type: single nucleotide variant.
Coding change: c.1303G>C on transcript NM_005869.4 (MANE Select); coding-DNA position 1303, G replaced by C.
Protein change: p.Asp435His; replaces aspartic acid 435 with histidine.
Molecular consequence: missense variant. On other transcripts: 3 prime UTR variant (1).
Genome position (GRCh38, 1-based): chr5:65,018,205, G>C. VCF-style: chr5-65018205-G-C. GRCh37 (hg19) VCF-style: chr5-64314032-G-C.
Other names: c.*23G>C (NM_001297644.1); short protein forms D435H.
Identifiers: ClinVar variation 1505787 (VCV001505787.8), dbSNP rs2112479101, ClinGen allele CA359961627.